The following is an entry in ClinVar:

ClinVar aggregate classification (germline): Uncertain significance (1 of 4 stars; one submission).

gnomAD v4.1: 9 of 1,613,826 alleles (0.00056%); highest among the groups gnomAD compares: East Asian, 0.0022%; no homozygotes.

Submission:

Labcorp Genetics (formerly Invitae), Labcorp
Classification: Uncertain significance. Last evaluated: 2024-02-15. Review status: criteria provided, single submitter. Criteria: Invitae Variant Classification Sherloc (09022015). Collection method: clinical testing. Allele origin: germline.
Comment: This sequence change replaces arginine, which is basic and polar, with cysteine, which is neutral and slightly polar, at codon 1303 of the SORL1 protein (p.Arg1303Cys). This variant is present in population databases (rs781023219, gnomAD 0.004%). This missense change has been observed in individual(s) with early-onset Alzheimer disease (PMID: 28595629, 28789839). It has also been observed to segregate with disease in related individuals. An algorithm developed to predict the effect of missense changes on protein structure and function (PolyPhen-2) suggests that this variant is likely to be disruptive. In summary, the available evidence is currently insufficient to determine the role of this variant in disease. Therefore, it has been classified as a Variant of Uncertain Significance.

Literature cited by the submitters: PubMed 28595629; PubMed 28789839.

NM_003105.6(SORL1):c.3907C>T (p.Arg1303Cys)

Gene: SORL1 (sortilin related receptor 1; plus strand). Cytogenetic location: 11q24.1.
Variant type: single nucleotide variant.
Coding change: c.3907C>T on transcript NM_003105.6 (MANE Select); coding-DNA position 3907, C replaced by T.
Protein change: p.Arg1303Cys; replaces arginine 1303 with cysteine.
Molecular consequence: missense variant.
Genome position (GRCh38, 1-based): chr11:121,588,112, C>T. VCF-style: chr11-121588112-C-T. GRCh37 (hg19) VCF-style: chr11-121458821-C-T.
Other names: short protein forms R1303C.
Identifiers: ClinVar variation 3721105 (VCV003721105.2).